The following is an entry in ClinVar:

ClinVar aggregate classification (germline): Pathogenic/Likely pathogenic. Review status: criteria provided, multiple submitters, no conflicts (2 of 4 stars). 3 submissions from 3 submitters: Pathogenic (2); Likely pathogenic (1). Last evaluated 2024-06-12.

Conditions:
Familial thoracic aortic aneurysm and aortic dissection (TAAD). Also called: Thoracic aortic aneurysms and dissections. Identifiers: Orphanet 91387, MedGen C4707243, MONDO:0019625.
Marfan syndrome (MFS). Also called: FBN1-Related Marfan Syndrome; Marfan syndrome type 1; Marfan's syndrome; Marfan syndrome, classic; MARFAN SYNDROME, TYPE I. Identifiers: Orphanet 284963, Orphanet 558, MedGen C0024796, MONDO:0007947, OMIM 154700.

Submissions (3):

GeneDx
Classification: Likely pathogenic. Last evaluated: 2024-06-12. Review status: criteria provided, single submitter. Criteria: GeneDx Variant Classification Process June 2021. Collection method: clinical testing. Allele origin: germline. Affected: yes.
Comment: Has not been previously published as pathogenic or benign in association with an FBN1-related disorder to our knowledge; Not observed at significant frequency in large population cohorts (gnomAD); In silico analysis supports that this missense variant has a deleterious effect on protein structure/function; Affects a cysteine residue within a TGF-binding protein domain (aka TB domain or 8-Cysteine domain) and is expected to disrupt disulfide bonding within this domain; other missense substitutions that affect cysteine residues within this TGF-binding protein domain have been reported in association with various FBN1-related phenotypes, including Marfan syndrome (HGMD); This variant is associated with the following publications: (PMID: 27906200)

Labcorp Genetics (formerly Invitae), Labcorp
Classification: Pathogenic for Marfan syndrome; Familial thoracic aortic aneurysm and aortic dissection. Last evaluated: 2023-09-04. Review status: criteria provided, single submitter. Criteria: Invitae Variant Classification Sherloc (09022015). Collection method: clinical testing. Allele origin: germline.
Comment: For these reasons, this variant has been classified as Pathogenic. Advanced modeling of protein sequence and biophysical properties (such as structural, functional, and spatial information, amino acid conservation, physicochemical variation, residue mobility, and thermodynamic stability) performed at Invitae indicates that this missense variant is expected to disrupt FBN1 protein function. This variant affects a cysteine residue in the EGF-like, TGFBP or hybrid motif domains of FBN1. Cysteine residues are believed to be involved in intramolecular disulfide bridges and have been shown to be important for FBN1 protein structure (PMID: 16905551, 19349279). In addition, missense substitutions affecting cysteine residues within these domains are significantly overrepresented among patients with Marfan syndrome (PMID: 16571647, 17701892). This sequence change replaces cysteine, which is neutral and slightly polar, with tyrosine, which is neutral and polar, at codon 224 of the FBN1 protein (p.Cys224Tyr). This variant is not present in population databases (gnomAD no frequency). This missense change has been observed in individuals with Marfan syndrome (PMID: 27906200; Invitae). ClinVar contains an entry for this variant (Variation ID: 570805).

Institute of Human Genetics Munich, TUM University Hospital
Classification: Pathogenic for Marfan syndrome. Last evaluated: 2021-09-13. Review status: criteria provided, single submitter. Criteria: Classification criteria August 2017. Collection method: clinical testing. Allele origin: de novo. Inheritance: Autosomal dominant inheritance. Affected: yes. Observed: 1 variant allele.

Literature cited by the submitters: PubMed 16905551 (cited by Labcorp Genetics (formerly Invitae), Labcorp); PubMed 19349279 (cited by Labcorp Genetics (formerly Invitae), Labcorp); PubMed 16571647 (cited by Labcorp Genetics (formerly Invitae), Labcorp); PubMed 17701892 (cited by Labcorp Genetics (formerly Invitae), Labcorp); PubMed 27906200 (cited by Labcorp Genetics (formerly Invitae), Labcorp).

NM_000138.5(FBN1):c.671G>A (p.Cys224Tyr)

Gene: FBN1 (fibrillin 1; minus strand). Cytogenetic location: 15q21.1.
Variant type: single nucleotide variant.
Coding change: c.671G>A on transcript NM_000138.5 (MANE Select); coding-DNA position 671, G replaced by A.
Protein change: p.Cys224Tyr; replaces cysteine 224 with tyrosine.
Molecular consequence: missense variant.
Genome position (GRCh38, 1-based): chr15:48,537,676, C>T on the plus strand (G>A on the coding strand, the complement: FBN1 is on the minus strand). VCF-style: chr15-48537676-C-T. GRCh37 (hg19) VCF-style: chr15-48829873-C-T.
Other names: short protein forms C224Y.
Identifiers: ClinVar variation 570805 (VCV000570805.13), dbSNP rs1566922396, ClinGen allele CA392445915.
Genomic context (GRCh38, chr15:48,537,676, plus strand): 5'-CAAGCTCCCGTGCGGATATTTGGAATGAAGCCACGGCGGCAGGGGTGAGGCTGGGCAGGA[C>T]ACATCTCACAGGGGTGGCCCCAGGCTCGGCCGACTGTGGCACAGCAGAGCGTTTTTGTGC-3'
Protein context (NP_000129.3, residues 214-234): GRAWGHPCEM[Cys224Tyr]PAQPHPCRRG